The following is an entry in ClinVar:

NM_000334.4(SCN4A):c.2711del (p.Pro904fs)

Genes: GH-LCR (growth hormone locus control region; plus strand), SCN4A (sodium voltage-gated channel alpha subunit 4; minus strand). Cytogenetic location: 17q23.3.
Variant type: Deletion.
Coding change: c.2711del on transcript NM_000334.4 (MANE Select); coding-DNA position 2711, one base deleted (C; older notation c.2711delC).
Protein change: p.Pro904fs; shifts the reading frame from proline 904.
Molecular consequence: frameshift variant.
Genome position (GRCh38, 1-based): chr17:63,951,566, G deleted on the plus strand (C on the coding strand, the reverse complement: SCN4A is on the minus strand); the first of 6 consecutive G bases (chr17:63,951,566-63,951,571); deleting any one gives the same sequence. VCF-style (leftmost placement, unchanged base first): chr17-63951565-TG-T. GRCh37 (hg19) VCF-style: chr17-62028925-TG-T.
Other names: short protein forms P904fs.
Identifiers: ClinVar variation 3704712 (VCV003704712.2).

ClinVar aggregate classification (germline): Pathogenic (1 of 4 stars; one submission).

Conditions:
Hyperkalemic periodic paralysis. Also called: Familial hyperkalemic periodic paralysis; Gamstorp disease. Identifiers: Orphanet 682, MedGen C0238357, MONDO:0008224, OMIM 170500, HP:0007215.

Submission:

Labcorp Genetics (formerly Invitae), Labcorp
Classification: Pathogenic for Hyperkalemic periodic paralysis. Last evaluated: 2025-01-30. Review status: criteria provided, single submitter. Criteria: Invitae Variant Classification Sherloc (09022015). Collection method: clinical testing. Allele origin: germline.
Comment: This sequence change creates a premature translational stop signal (p.Pro904Hisfs*17) in the SCN4A gene. It is expected to result in an absent or disrupted protein product. Loss-of-function variants in SCN4A are known to be pathogenic (PMID: 26700687). This variant is present in population databases (no rsID available, gnomAD 0.002%). This variant has not been reported in the literature in individuals affected with SCN4A-related conditions. For these reasons, this variant has been classified as Pathogenic.

Literature cited by the submitters: PubMed 26700687.